The following is an entry in ClinVar:

ClinVar aggregate classification (germline): Uncertain significance (1 of 4 stars; one submission).

gnomAD v4.1: 1 of 1,613,448 alleles (0.000062%); highest among the groups gnomAD compares: African/African-American, 0.0013%; no homozygotes.

Submission:

Labcorp Genetics (formerly Invitae), Labcorp
Classification: Uncertain significance. Last evaluated: 2024-11-27. Review status: criteria provided, single submitter. Criteria: Invitae Variant Classification Sherloc (09022015). Collection method: clinical testing. Allele origin: germline.
Comment: This sequence change replaces alanine, which is neutral and non-polar, with valine, which is neutral and non-polar, at codon 192 of the KMT2B protein (p.Ala192Val). This variant is not present in population databases (gnomAD no frequency). This variant has not been reported in the literature in individuals affected with KMT2B-related conditions. Invitae Evidence Modeling of protein sequence and biophysical properties (such as structural, functional, and spatial information, amino acid conservation, physicochemical variation, residue mobility, and thermodynamic stability) indicates that this missense variant is not expected to disrupt KMT2B protein function with a negative predictive value of 80%. Algorithms developed to predict the effect of sequence changes on RNA splicing suggest that this variant may create or strengthen a splice site. In summary, the available evidence is currently insufficient to determine the role of this variant in disease. Therefore, it has been classified as a Variant of Uncertain Significance.

NM_014727.3(KMT2B):c.575C>T (p.Ala192Val)

Gene: KMT2B (lysine methyltransferase 2B; plus strand). Cytogenetic location: 19q13.12.
Variant type: single nucleotide variant.
Coding change: c.575C>T on transcript NM_014727.3 (MANE Select); coding-DNA position 575, C replaced by T.
Protein change: p.Ala192Val; replaces alanine 192 with valine.
Molecular consequence: missense variant.
Genome position (GRCh38, 1-based): chr19:35,719,922, C>T. VCF-style: chr19-35719922-C-T. GRCh37 (hg19) VCF-style: chr19-36210824-C-T.
Other names: short protein forms A192V.
Identifiers: ClinVar variation 3687815 (VCV003687815.2).